The following is an entry in ClinVar:

NM_014795.4(ZEB2):c.43C>A (p.Arg15Ser)

Gene: ZEB2 (zinc finger E-box binding homeobox 2; minus strand). Cytogenetic location: 2q22.3.
Variant type: single nucleotide variant.
Coding change: c.43C>A on transcript NM_014795.4 (MANE Select); coding-DNA position 43, C replaced by A.
Protein change: p.Arg15Ser; replaces arginine 15 with serine.
Molecular consequence: missense variant. On other transcripts: non-coding transcript variant (1).
Genome position (GRCh38, 1-based): chr2:144,517,308, G>T on the plus strand (C>A on the coding strand, the complement: ZEB2 is on the minus strand). VCF-style: chr2-144517308-G-T. GRCh37 (hg19) VCF-style: chr2-145274875-G-T.
Other names: c.43C>A (NM_014795.3); c.43C>A, p.Arg15Ser (NM_001171653.2); short protein forms R15S.
Identifiers: ClinVar variation 2112417 (VCV002112417.5), dbSNP rs1705171747, ClinGen allele CA348858363.

ClinVar aggregate classification (germline): Uncertain significance. Review status: criteria provided, multiple submitters, no conflicts (2 of 4 stars). 2 submissions from 2 submitters: Uncertain significance (2). Last evaluated 2024-11-08.

Conditions:
Mowat-Wilson syndrome (MOWS). Also called: Classic Mowat-Wilson Syndrome. Identifiers: Orphanet 2152, MedGen C1856113, MONDO:0009341, OMIM 235730.

Submissions (2):

GeneDx
Classification: Uncertain significance. Last evaluated: 2024-11-08. Review status: criteria provided, single submitter. Criteria: GeneDx Variant Classification Process June 2021. Collection method: clinical testing. Allele origin: germline. Affected: yes.
Comment: Not observed at significant frequency in large population cohorts (gnomAD); In silico analysis supports that this missense variant has a deleterious effect on protein structure/function; Has not been previously published as pathogenic or benign to our knowledge

Labcorp Genetics (formerly Invitae), Labcorp
Classification: Uncertain significance for Mowat-Wilson syndrome. Last evaluated: 2022-03-15. Review status: criteria provided, single submitter. Criteria: Invitae Variant Classification Sherloc (09022015). Collection method: clinical testing. Allele origin: germline.
Comment: In summary, the available evidence is currently insufficient to determine the role of this variant in disease. Therefore, it has been classified as a Variant of Uncertain Significance. Algorithms developed to predict the effect of missense changes on protein structure and function (SIFT, PolyPhen-2, Align-GVGD) all suggest that this variant is likely to be tolerated. This variant has not been reported in the literature in individuals affected with ZEB2-related conditions. This variant is not present in population databases (gnomAD no frequency). This sequence change replaces arginine, which is basic and polar, with serine, which is neutral and polar, at codon 15 of the ZEB2 protein (p.Arg15Ser).